The following is an entry in ClinVar:

NM_012213.3(MLYCD):c.*442C>G

Gene: MLYCD (malonyl-CoA decarboxylase; plus strand). Cytogenetic location: 16q23.3.
Variant type: single nucleotide variant.
Coding change: c.*442C>G on transcript NM_012213.3 (MANE Select); 442 bases downstream of the stop codon, C replaced by G.
Molecular consequence: 3 prime UTR variant.
Genome position (GRCh38, 1-based): chr16:83,915,931, C>G. VCF-style: chr16-83915931-C-G. GRCh37 (hg19) VCF-style: chr16-83949536-C-G.
Identifiers: ClinVar variation 887560 (VCV000887560.4), dbSNP rs144512526, ClinGen allele CA285430718.

ClinVar aggregate classification (germline): Likely benign (1 of 4 stars; one submission).

Conditions:
Deficiency of malonyl-CoA decarboxylase. Also called: Malonic aciduria; MCD deficiency. Identifiers: Orphanet 943, MedGen C0342793, MONDO:0009556, OMIM 248360.

Allele frequency attached by ClinVar (database versions not stated): gnomAD 0.00015 and 0.00024; TOPMed 0.00028; 1000 Genomes Project 30x 0.00203; 1000 Genomes Project 0.00240.
gnomAD v4.1: 121 of 1,075,656 alleles (0.011%); highest among the groups gnomAD compares: East Asian, 0.71%; 2 homozygotes.

Submission:

Illumina Laboratory Services, Illumina
Classification: Likely benign for Deficiency of malonyl-CoA decarboxylase. Last evaluated: 2018-01-12. Review status: criteria provided, single submitter. Criteria: ICSL Variant Classification Criteria 13 December 2019. Collection method: clinical testing. Allele origin: germline.
Comment: This variant was observed in the ICSL laboratory as part of a predisposition screen in an ostensibly healthy population. It had not been previously curated by ICSL or reported in the Human Gene Mutation Database (HGMD: prior to June 1st, 2018), and was therefore a candidate for classification through an automated scoring system. Utilizing variant allele frequency, disease prevalence and penetrance estimates, and inheritance mode, an automated score was calculated to assess if this variant is too frequent to cause the disease. Based on the score and internal cut-off values, a variant classified as likely benign is not then subjected to further curation. The score for this variant resulted in a classification of likely benign for this disease.